The following is an entry in ClinVar:

NM_020184.4(CNNM4):c.494A>C (p.Asp165Ala)

Gene: CNNM4 (cyclin and CBS domain divalent metal cation transport mediator 4; plus strand). Cytogenetic location: 2q11.2.
Variant type: single nucleotide variant.
Coding change: c.494A>C on transcript NM_020184.4 (MANE Select); coding-DNA position 494, A replaced by C.
Protein change: p.Asp165Ala; replaces aspartic acid 165 with alanine.
Molecular consequence: missense variant.
Genome position (GRCh38, 1-based): chr2:96,761,493, A>C. VCF-style: chr2-96761493-A-C. GRCh37 (hg19) VCF-style: chr2-97427230-A-C.
Other names: short protein forms D165A.
Identifiers: ClinVar variation 1382593 (VCV001382593.6), dbSNP rs2153341569, ClinGen allele CA347714060.

ClinVar aggregate classification (germline): Uncertain significance (1 of 4 stars; one submission).

gnomAD v4.1: 1 of 1,614,020 alleles (0.000062%); highest among the groups gnomAD compares: Non-Finnish European, 0.000085%; no homozygotes.

Submission:

Labcorp Genetics (formerly Invitae), Labcorp
Classification: Uncertain significance. Last evaluated: 2022-09-12. Review status: criteria provided, single submitter. Criteria: Invitae Variant Classification Sherloc (09022015). Collection method: clinical testing. Allele origin: germline.
Comment: This sequence change replaces aspartic acid, which is acidic and polar, with alanine, which is neutral and non-polar, at codon 165 of the CNNM4 protein (p.Asp165Ala). In summary, the available evidence is currently insufficient to determine the role of this variant in disease. Therefore, it has been classified as a Variant of Uncertain Significance. Advanced modeling of protein sequence and biophysical properties (such as structural, functional, and spatial information, amino acid conservation, physicochemical variation, residue mobility, and thermodynamic stability) performed at Invitae indicates that this missense variant is not expected to disrupt CNNM4 protein function. ClinVar contains an entry for this variant (Variation ID: 1382593). This variant has not been reported in the literature in individuals affected with CNNM4-related conditions. This variant is not present in population databases (gnomAD no frequency).